The following is an entry in ClinVar:

ClinVar aggregate classification (germline): Conflicting classifications of pathogenicity. Review status: criteria provided, conflicting classifications (1 of 4 stars). 2 submissions from 2 submitters: Pathogenic (1); Uncertain significance (1). Last evaluated 2023-05-23.

Conditions:
Andersen Tawil syndrome (LQT7). Also called: Andersen Syndrome; LONG QT SYNDROME 7; PERIODIC PARALYSIS, POTASSIUM-SENSITIVE CARDIODYSRHYTHMIC TYPE; ANDERSEN CARDIODYSRHYTHMIC PERIODIC PARALYSIS; Potassium-sensitive periodic paralysis, ventricular ectopy, and dysmorphic features. Identifiers: Orphanet 37553, MedGen C1563715, MONDO:0008222, OMIM 170390.

Submissions (2):

GeneDx
Classification: Uncertain significance. Last evaluated: 2023-05-23. Review status: criteria provided, single submitter. Criteria: GeneDx Variant Classification Process June 2021. Collection method: clinical testing. Allele origin: germline. Affected: yes.
Comment: Not observed at significant frequency in large population cohorts (gnomAD); In silico analysis supports that this missense variant has a deleterious effect on protein structure/function; Reported in an individual with Andersen-Tawil syndrome in published literature (Vivekanandam et al., 2022); This variant is associated with the following publications: (PMID: 24383070, 34919635)

Centre for Mendelian Genomics, University Medical Centre Ljubljana
Classification: Pathogenic for Andersen Tawil syndrome. Last evaluated: 2016-01-01. Review status: criteria provided, single submitter. Criteria: ACMG Guidelines, 2015. Collection method: clinical testing. Allele origin: unknown. Affected: yes.
Comment: This variant was classified as: Pathogenic.

NM_000891.3(KCNJ2):c.578T>C (p.Leu193Pro)

Gene: KCNJ2 (potassium inwardly rectifying channel subfamily J member 2; plus strand). Cytogenetic location: 17q24.3.
Variant type: single nucleotide variant.
Coding change: c.578T>C on transcript NM_000891.3 (MANE Select); coding-DNA position 578, T replaced by C.
Protein change: p.Leu193Pro; replaces leucine 193 with proline.
Molecular consequence: missense variant.
Genome position (GRCh38, 1-based): chr17:70,175,617, T>C. VCF-style: chr17-70175617-T-C. GRCh37 (hg19) VCF-style: chr17-68171758-T-C.
Other names: short protein forms L193P.
Identifiers: ClinVar variation 932125 (VCV000932125.7), dbSNP rs1555603955, ClinGen allele CA400861093.